The following is an entry in ClinVar:

ClinVar aggregate classification (germline): Likely benign. Review status: criteria provided, multiple submitters, no conflicts (2 of 4 stars). 2 submissions from 2 submitters: Likely benign (2). Last evaluated 2024-02-13.

Allele frequency attached by ClinVar (database versions not stated): ExAC 0.00001; gnomAD exomes 0.00002.
gnomAD v4.1: 5 of 1,607,716 alleles (0.00031%); highest among the groups gnomAD compares: Admixed American, 0.0067%; no homozygotes.

Submissions (2):

Labcorp Genetics (formerly Invitae), Labcorp
Classification: Likely benign. Last evaluated: 2024-02-13. Review status: criteria provided, single submitter. Criteria: Invitae Variant Classification Sherloc (09022015). Collection method: clinical testing. Allele origin: germline.

GeneDx
Classification: Likely benign. Last evaluated: 2018-05-15. Review status: criteria provided, single submitter. Criteria: GeneDx Variant Classification (06012015). Collection method: clinical testing. Allele origin: germline. Affected: yes.
Comment: This variant is considered likely benign or benign based on one or more of the following criteria: it is a conservative change, it occurs at a poorly conserved position in the protein, it is predicted to be benign by multiple in silico algorithms, and/or has population frequency not consistent with disease.

NM_001365088.1(SLC12A6):c.1215A>G (p.Leu405=)

Gene: SLC12A6 (solute carrier family 12 member 6; minus strand). Cytogenetic location: 15q14.
Variant type: single nucleotide variant.
Coding change: c.1215A>G on transcript NM_001365088.1 (MANE Select); coding-DNA position 1215, A replaced by G.
Protein change: p.Leu405=; no amino-acid change (leucine 405 retained).
Molecular consequence: synonymous variant.
Genome position (GRCh38, 1-based): chr15:34,252,288, T>C on the plus strand (A>G on the coding strand, the complement: SLC12A6 is on the minus strand). VCF-style: chr15-34252288-T-C. GRCh37 (hg19) VCF-style: chr15-34544489-T-C.
Other names: c.1038A>G, p.Leu346= (NM_001042494.2, NM_001042495.2); c.1188A>G, p.Leu396= (NM_001042496.2); c.1170A>G, p.Leu390= (NM_001042497.2); c.1062A>G, p.Leu354= (NM_005135.2); c.1215A>G, p.Leu405= (NM_133647.2).
Identifiers: ClinVar variation 668318 (VCV000668318.9), dbSNP rs763741256, ClinGen allele CA7464360.